The following is an entry in ClinVar:

ClinVar aggregate classification (germline): Uncertain significance (1 of 4 stars; one submission).

Conditions:
Hereditary cancer-predisposing syndrome. Also called: Hereditary neoplastic syndrome; Neoplastic Syndromes, Hereditary; Tumor predisposition; Hereditary Cancer Syndrome. Identifiers: Orphanet 140162, MedGen C0027672, MeSH D009386, MONDO:0015356.

Submission:

Ambry Genetics
Classification: Uncertain significance for Hereditary cancer-predisposing syndrome. Last evaluated: 2025-06-20. Review status: criteria provided, single submitter. Criteria: Ambry Variant Classification Scheme 2023. Collection method: clinical testing. Allele origin: germline.
Comment: The p.L257I variant (also known as c.769C>A), located in coding exon 5 of the RAD51C gene, results from a C to A substitution at nucleotide position 769. The leucine at codon 257 is replaced by isoleucine, an amino acid with highly similar properties. This amino acid position is conserved. In addition, this alteration is predicted to be tolerated by in silico analysis. Based on the available evidence, the clinical significance of this variant remains unclear.

NM_058216.3(RAD51C):c.769C>A (p.Leu257Ile)

Gene: RAD51C (RAD51 paralog C; plus strand). Cytogenetic location: 17q22.
Variant type: single nucleotide variant.
Coding change: c.769C>A on transcript NM_058216.3 (MANE Select); coding-DNA position 769, C replaced by A.
Protein change: p.Leu257Ile; replaces leucine 257 with isoleucine.
Molecular consequence: missense variant. On other transcripts: non-coding transcript variant (1).
Genome position (GRCh38, 1-based): chr17:58,709,922, C>A. VCF-style: chr17-58709922-C-A. GRCh37 (hg19) VCF-style: chr17-56787283-C-A.
Other names: short protein forms L257I.
Identifiers: ClinVar variation 4149885 (VCV004149885.1).